The following is an entry in ClinVar:

NM_000478.6(ALPL):c.91G>A (p.Asp31Asn)

Gene: ALPL (alkaline phosphatase, biomineralization associated; plus strand). Cytogenetic location: 1p36.12.
Variant type: single nucleotide variant.
Coding change: c.91G>A on transcript NM_000478.6 (MANE Select); coding-DNA position 91, G replaced by A.
Protein change: p.Asp31Asn; replaces aspartic acid 31 with asparagine.
Molecular consequence: missense variant. On other transcripts: 5 prime UTR variant (2).
Genome position (GRCh38, 1-based): chr1:21,560,655, G>A. VCF-style: chr1-21560655-G-A. GRCh37 (hg19) VCF-style: chr1-21887148-G-A.
Other names: c.-75G>A (NM_001127501.4); c.-25G>A (NM_001177520.3); c.91G>A, p.Asp31Asn (NM_001369803.2, NM_001369804.2, NM_001369805.2); short protein forms D31N.
Identifiers: ClinVar variation 1466124 (VCV001466124.5), dbSNP rs757127456, ClinGen allele CA666393.

ClinVar aggregate classification (germline): Uncertain significance (1 of 4 stars; one submission).

Allele frequency attached by ClinVar (database versions not stated): gnomAD exomes below 0.00001 and 0.00001; ExAC 0.00002.
gnomAD v4.1: 1 of 1,614,138 alleles (0.000062%); highest among the groups gnomAD compares: East Asian, 0.0022%; no homozygotes.

Submission:

Labcorp Genetics (formerly Invitae), Labcorp
Classification: Uncertain significance. Last evaluated: 2022-03-08. Review status: criteria provided, single submitter. Criteria: Invitae Variant Classification Sherloc (09022015). Collection method: clinical testing. Allele origin: germline.
Comment: This sequence change replaces aspartic acid with asparagine at codon 31 of the ALPL protein (p.Asp31Asn). The aspartic acid residue is weakly conserved and there is a small physicochemical difference between aspartic acid and asparagine. This variant is present in population databases (rs757127456, gnomAD 0.02%). This variant has not been reported in the literature in individuals affected with ALPL-related conditions. Advanced modeling of protein sequence and biophysical properties (such as structural, functional, and spatial information, amino acid conservation, physicochemical variation, residue mobility, and thermodynamic stability) performed at Invitae indicates that this missense variant is not expected to disrupt ALPL protein function. In summary, the available evidence is currently insufficient to determine the role of this variant in disease. Therefore, it has been classified as a Variant of Uncertain Significance.